The following is an entry in ClinVar:

NM_000238.4(KCNH2):c.1778T>G (p.Ile593Arg)

Gene: KCNH2 (potassium voltage-gated channel subfamily H member 2; minus strand). Cytogenetic location: 7q36.1.
Variant type: single nucleotide variant.
Coding change: c.1778T>G on transcript NM_000238.4 (MANE Select); coding-DNA position 1778, T replaced by G.
Protein change: p.Ile593Arg; replaces isoleucine 593 with arginine.
Molecular consequence: missense variant.
Genome position (GRCh38, 1-based): chr7:150,951,615, A>C on the plus strand (T>G on the coding strand, the complement: KCNH2 is on the minus strand). VCF-style: chr7-150951615-A-C. GRCh37 (hg19) VCF-style: chr7-150648703-A-C.
Other names: c.758T>G, p.Ile253Arg (NM_001204798.2, NM_172057.3); c.1490T>G, p.Ile497Arg (NM_001406753.1, NM_001406756.1); c.1601T>G, p.Ile534Arg (NM_001406755.1); c.1478T>G, p.Ile493Arg (NM_001406757.1); c.1778T>G, p.Ile593Arg (NM_172056.3); c.1778T>G (LRG_288t1); short protein forms I593R, I253R, I493R, I497R, I534R.
Identifiers: ClinVar variation 14423 (VCV000014423.11), dbSNP rs28928904, ClinGen allele CA005460.

ClinVar aggregate classification (germline): Pathogenic. Review status: criteria provided, multiple submitters, no conflicts (2 of 4 stars). 5 submissions from 5 submitters: Pathogenic (3). 2 of the submissions do not count toward it. Last evaluated 2026-03-25.

Conditions:
Cardiovascular phenotype. Identifiers: MedGen CN230736.
Familial long QT syndrome (RWS). Also called: Romano-Ward syndrome; VENTRICULAR FIBRILLATION WITH PROLONGED QT INTERVAL; Congenital long QT syndrome. Identifiers: Orphanet 768, MedGen C1141890, MONDO:0019171.
Long QT syndrome (LQTS). Identifiers: MedGen C0023976, MeSH D008133, MONDO:0002442. Disease mechanism: loss of function. Inheritance: Various modes of inheritance.
Long QT syndrome 2 (LQT2). Identifiers: Orphanet 101016, Orphanet 768, MedGen C3150943, MONDO:0013367, OMIM 613688.

Submissions (5):

Ambry Genetics
Classification: Pathogenic for Cardiovascular phenotype. Last evaluated: 2026-03-25. Review status: criteria provided, single submitter. Criteria: Ambry Variant Classification Scheme 2023. Collection method: clinical testing. Allele origin: germline.
Comment: The p.I593R pathogenic mutation (also known as c.1778T>G), located in coding exon 7 of the KCNH2 gene, results from a T to G substitution at nucleotide position 1778. The isoleucine at codon 593 is replaced by arginine, an amino acid with similar properties. This variant was identified in one or more individuals with features consistent with long QT syndrome and segregated with disease in at least one family (Benson DW et al. Circulation, 1996 May;93:1791-5). In multiple assays testing KCNH2 function, this variant showed functionally abnormal results (Jou CJ et al. Circ Res, 2013 Mar;112:826-30; Anderson CL et al. Circulation, 2006 Jan;113:365-73). This missense variant is located in a region that has a low rate of benign missense variation (Lek M et al. Nature. 2016 Aug 18;536(7616):285-91; DECIPHER: Database of Chromosomal Imbalance and Phenotype in Humans using Ensembl Resources. Firth H.V. et al. 2009. Am.J.Hum.Genet. 84, 524-533 (DOI)). This amino acid position is well conserved in available vertebrate species. In addition, this alteration is predicted to be deleterious by in silico analysis. This variant is considered to be rare based on population cohorts in the Genome Aggregation Database (gnomAD). Based on the supporting evidence, this variant is interpreted as a disease-causing mutation.

GeneDx
Classification: Pathogenic. Last evaluated: 2025-05-14. Review status: criteria provided, single submitter. Criteria: GeneDx Variant Classification Process June 2021. Collection method: clinical testing. Allele origin: germline. Affected: yes.
Comment: Functional studies demonstrate this variant causes defective processing/trafficking and produces a significantly reduced peak tail current compared to wild type (PMID: 16432067); Not observed at significant frequency in large population cohorts (gnomAD); In silico analysis supports that this missense variant has a deleterious effect on protein structure/function; This variant is associated with the following publications: (PMID: 16922724, 23303164, 10973849, 9694858, 36339618, 16432067, 8635257)

Labcorp Genetics (formerly Invitae), Labcorp
Classification: Pathogenic for Long QT syndrome. Last evaluated: 2023-05-01. Review status: criteria provided, single submitter. Criteria: Invitae Variant Classification Sherloc (09022015). Collection method: clinical testing. Allele origin: germline.
Comment: For these reasons, this variant has been classified as Pathogenic. This variant disrupts the p.Ile593 amino acid residue in KCNH2. Other variant(s) that disrupt this residue have been determined to be pathogenic (PMID: 21956039, 25417810; Invitae). This suggests that this residue is clinically significant, and that variants that disrupt this residue are likely to be disease-causing. Experimental studies have shown that this missense change affects KCNH2 function (PMID: 16432067, 23303164). An algorithm developed to predict the effect of missense changes on protein structure and function (PolyPhen-2) suggests that this variant is likely to be disruptive. ClinVar contains an entry for this variant (Variation ID: 14423). This missense change has been observed in individual(s) with long QT syndrome (PMID: 8635257). It has also been observed to segregate with disease in related individuals. This variant is not present in population databases (gnomAD no frequency). This sequence change replaces isoleucine, which is neutral and non-polar, with arginine, which is basic and polar, at codon 593 of the KCNH2 protein (p.Ile593Arg).

OMIM
Classification: Pathogenic for LONG QT SYNDROME 2. Last evaluated: 1996-05-15. Review status: no assertion criteria provided. Collection method: literature only. Allele origin: germline. Not counted in ClinVar's aggregate classification.

Cardiovascular Biomedical Research Unit, Royal Brompton & Harefield NHS Foundation Trust
No classification provided. Condition: Familial long QT syndrome. Review status: no classification provided. Collection method: literature only. Allele origin: germline. Not counted in ClinVar's aggregate classification.
Comment: This variant has been reported as associated with Long QT syndrome in the following publications (PMID:8635257;PMID:16432067;PMID:16922724;PMID:9694858). This is a literature report, and does not necessarily reflect the clinical interpretation of the Imperial College / Royal Brompton Cardiovascular Genetics laboratory.

Literature cited by the submitters: PubMed 16432067 (cited by 3 submitters); PubMed 23303164 (cited by Ambry Genetics and Labcorp Genetics (formerly Invitae), Labcorp); PubMed 8635257 (cited by 4 submitters); PubMed 21956039 (cited by Labcorp Genetics (formerly Invitae), Labcorp); PubMed 25417810 (cited by Labcorp Genetics (formerly Invitae), Labcorp); PubMed 16922724 (cited by Cardiovascular Biomedical Research Unit, Royal Brompton & Harefield NHS Foundation Trust); PubMed 9694858 (cited by Cardiovascular Biomedical Research Unit, Royal Brompton & Harefield NHS Foundation Trust); PubMed 22581653 (cited by Cardiovascular Biomedical Research Unit, Royal Brompton & Harefield NHS Foundation Trust).